The following is an entry in ClinVar:

NM_015330.6(SPECC1L):c.2075A>G (p.Glu692Gly)

Genes: SPECC1L-ADORA2A (SPECC1L-ADORA2A readthrough (NMD candidate); plus strand), SPECC1L (sperm antigen with calponin homology and coiled-coil domains 1 like; plus strand). Cytogenetic location: 22q11.23.
Variant type: single nucleotide variant.
Coding change: c.2075A>G on transcript NM_015330.6 (MANE Select); coding-DNA position 2075, A replaced by G.
Protein change: p.Glu692Gly; replaces glutamic acid 692 with glycine.
Molecular consequence: missense variant. On other transcripts: non-coding transcript variant (1).
Genome position (GRCh38, 1-based): chr22:24,324,356, A>G. VCF-style: chr22-24324356-A-G. GRCh37 (hg19) VCF-style: chr22-24720324-A-G.
Other names: c.2075A>G, p.Glu692Gly (NM_001145468.4, NM_001254732.3); c.2075A>G (NM_015330.2); short protein forms E692G.
Identifiers: ClinVar variation 2740683 (VCV002740683.4), dbSNP rs1346556753, ClinGen allele CA410973014.

ClinVar aggregate classification (germline): Uncertain significance. Review status: criteria provided, multiple submitters, no conflicts (2 of 4 stars). 2 submissions from 2 submitters: Uncertain significance (2). Last evaluated 2024-12-14.

Conditions:
Inborn genetic diseases. Identifiers: MedGen C0950123, MeSH D030342.

Allele frequency attached by ClinVar (database versions not stated): gnomAD exomes below 0.00001.
gnomAD v4.1: 1 of 1,614,190 alleles (0.000062%); highest among the groups gnomAD compares: Admixed American, 0.0017%; no homozygotes.

Submissions (2):

Ambry Genetics
Classification: Uncertain significance for Inborn genetic diseases. Last evaluated: 2024-12-14. Review status: criteria provided, single submitter. Criteria: Ambry Variant Classification Scheme 2023. Collection method: clinical testing. Allele origin: germline.

Labcorp Genetics (formerly Invitae), Labcorp
Classification: Uncertain significance. Last evaluated: 2023-07-29. Review status: criteria provided, single submitter. Criteria: Invitae Variant Classification Sherloc (09022015). Collection method: clinical testing. Allele origin: germline.
Comment: This variant is present in population databases (no rsID available, gnomAD 0.003%). This sequence change replaces glutamic acid, which is acidic and polar, with glycine, which is neutral and non-polar, at codon 692 of the SPECC1L protein (p.Glu692Gly). In summary, the available evidence is currently insufficient to determine the role of this variant in disease. Therefore, it has been classified as a Variant of Uncertain Significance. An algorithm developed to predict the effect of missense changes on protein structure and function (PolyPhen-2) suggests that this variant is likely to be disruptive. This variant has not been reported in the literature in individuals affected with SPECC1L-related conditions.